The following is an entry in ClinVar:

ClinVar aggregate classification (germline): Benign. Review status: criteria provided, multiple submitters, no conflicts (2 of 4 stars). 2 submissions from 2 submitters: Benign (2). Last evaluated 2018-06-14.

Allele frequency attached by ClinVar (database versions not stated): 1000 Genomes Project 0.54093; 1000 Genomes Project 30x 0.54263; TOPMed 0.59114; gnomAD 0.60630 and 0.60671; ESP Exome Variant Server 0.61187; ExAC 0.64820; gnomAD exomes 0.64957 and 0.67242.
gnomAD v4.1: 1,068,092 of 1,604,882 alleles (67%); highest among the groups gnomAD compares: Middle Eastern, 73%; 360,270 homozygotes.

Submissions (2):

GeneDx
Classification: Benign. Last evaluated: 2018-06-14. Review status: criteria provided, single submitter. Criteria: GeneDx Variant Classification (06012015). Collection method: clinical testing. Allele origin: germline. Affected: yes.
Comment: This variant is considered likely benign or benign based on one or more of the following criteria: it is a conservative change, it occurs at a poorly conserved position in the protein, it is predicted to be benign by multiple in silico algorithms, and/or has population frequency not consistent with disease.

Breakthrough Genomics
Classification: Benign. Review status: criteria provided, single submitter. Criteria: ACMG Guidelines, 2015. Collection method: not provided. Allele origin: germline. Inheritance: Autosomal recessive inheritance. Affected: yes.

NM_006059.4(LAMC3):c.2159-41G>A

Gene: LAMC3 (laminin subunit gamma 3; plus strand). Cytogenetic location: 9q34.12.
Variant type: single nucleotide variant.
Coding change: c.2159-41G>A on transcript NM_006059.4 (MANE Select); 41 bases into the intron before coding-DNA position 2159, G replaced by A.
Molecular consequence: intron variant.
Genome position (GRCh38, 1-based): chr9:131,060,994, G>A. VCF-style: chr9-131060994-G-A. GRCh37 (hg19) VCF-style: chr9-133936381-G-A.
Identifiers: ClinVar variation 670957 (VCV000670957.2), dbSNP rs3824398, ClinGen allele CA5287336.